The following continues an entry in ClinVar:

NM_000157.4(GBA1):c.1504C>T (p.Arg502Cys)

ClinVar aggregate classification (germline): Pathogenic. Pathogenic (22).

Submissions 18 to 27 of 27:

Women's Health and Genetics/Laboratory Corporation of America, LabCorp
Classification: Pathogenic for Gaucher disease. Last evaluated: 2017-08-25. Review status: criteria provided, single submitter. Criteria: LabCorp Variant Classification Summary - May 2015. Collection method: clinical testing. Allele origin: germline.
Comment: Variant summary: The GBA c.1504C>T (p.Arg502Cys) variant involves the alteration of a non-conserved nucleotide, resulting in a missense change within the glycosyl hydrolase family 30, beta sandwich domain (InterPro). 4/4 in silico tools predict a damaging outcome for this variant (SNPsandGO not captured due to low reliability index). This variant was found in 7/121382 control chromosomes at a frequency of 0.0000577, which does not exceed the estimated maximal expected allele frequency of a pathogenic GBA variant (0.005). The variant has been identified in numerous patients with Gaucher disease type I and type III, both as a compound heterozygous and homozygous allele. The variant is considered a recurrent mutation and has been associated with mild and severe Gaucher-related phenotypes in patients. Functional studies showed a significant reduction in enzyme activity (Grace_1994). In addition, multiple clinical diagnostic laboratories/reputable databases have classified this variant as pathogenic. Taken together, this variant is classified as pathogenic.

Ambry Genetics
Classification: Pathogenic. Last evaluated: 2015-03-02. Review status: criteria provided, single submitter. Criteria: Ambry Variant Classification Scheme 2023. Collection method: clinical testing. Allele origin: germline.
Comment: The p.R502C pathogenic mutation (also known as c.1504C>T and p.R463C in the literature), located in coding exon 10 of the GBA gene, results from a C to T substitution at nucleotide position 1504. The arginine at codon 502 is replaced by cysteine, an amino acid with highly dissimilar properties. Another functional study found this mutation inactivated the enzyme function completely by rapid degredation (Liou B, J. Biol. Chem. 2006 Feb; 281(7):4242-53). Based on the supporting evidence, p.R502C is interpreted as a disease-causing mutation.

Eurofins Ntd Llc (ga)
Classification: Pathogenic. Last evaluated: 2012-07-24. Review status: criteria provided, single submitter. Criteria: EGL Classification Definitions. Collection method: clinical testing. Allele origin: germline. Observed: 6 variant alleles, 6 heterozygotes.

Baylor Genetics
Classification: Pathogenic for Gaucher disease type I; Gaucher disease type II; Gaucher disease type III; Gaucher disease-ophthalmoplegia-cardiovascular calcification syndrome. Review status: criteria provided, single submitter. Criteria: ACMG Guidelines, 2015. Collection method: clinical testing. Allele origin: germline.

Rady Children's Institute for Genomic Medicine, Rady Children's Hospital San Diego
Classification: Pathogenic for Gaucher Disease. Review status: criteria provided, single submitter. Criteria: ACMG Guidelines, 2015. Collection method: clinical testing. Allele origin: germline. Affected: yes.
Comment: This variant is also known as p.Arg463Cys in the literature (PMID: 23588557). This variant has been previously reported as a compound heterozygous change most commonly in patients with Gaucher disease, but also among patients with Parkinson disease and renal cell carcinoma (PMID: 1972019, 24482953, 8733893, 17427031, 21704274, 29625052, 30537300). Functional studies indicate that this variant impairs the GBA enzyme activity (PMID: 11259172, 8294487). The frequency data for variants in the GBA gene in population databases may be unreliable due to the presence of pseudogenes and paralogs (PMID: 20301446). In silico analyses support a deleterious effect of the c.1504C>T (p.Arg502Cys) variant on protein function. Based on the available evidence, the c.1504C>T (p.Arg502Cys) variant is classified as Pathogenic.

OMIM
Classification: Pathogenic for GAUCHER DISEASE, TYPE I. Last evaluated: 2009-07-01. Review status: no assertion criteria provided. Collection method: literature only. Allele origin: germline. Not counted in ClinVar's aggregate classification.

OMIM
Classification: Pathogenic for GAUCHER DISEASE, TYPE II. Last evaluated: 2009-07-01. Review status: no assertion criteria provided. Collection method: literature only. Allele origin: germline. Not counted in ClinVar's aggregate classification.

OMIM
Classification: Pathogenic for GAUCHER DISEASE, TYPE III. Last evaluated: 2009-07-01. Review status: no assertion criteria provided. Collection method: literature only. Allele origin: germline. Not counted in ClinVar's aggregate classification.

OMIM
Classification: risk factor for PARKINSON DISEASE, LATE-ONSET, SUSCEPTIBILITY TO. Last evaluated: 2009-07-01. Review status: no assertion criteria provided. Collection method: literature only. Allele origin: germline. Not counted in ClinVar's aggregate classification.

GeneReviews
No classification provided. Condition: Gaucher disease. Review status: no classification provided. Collection method: literature only. Allele origin: germline. Not counted in ClinVar's aggregate classification.

Literature cited by the submitters: PubMed 1972019 (cited by 4 submitters); PubMed 8733893 (cited by Labcorp Genetics (formerly Invitae), Labcorp); PubMed 17427031 (cited by Labcorp Genetics (formerly Invitae), Labcorp); PubMed 21704274 (cited by Labcorp Genetics (formerly Invitae), Labcorp); PubMed 24482953 (cited by Labcorp Genetics (formerly Invitae), Labcorp and Myriad Genetics, Inc.); PubMed 8294487 (cited by 4 submitters); PubMed 11259172 (cited by Labcorp Genetics (formerly Invitae), Labcorp and Victorian Clinical Genetics Services, Murdoch Childrens Research Institute); PubMed 34280392 (cited by Natera, Inc.); PubMed 8280613 (cited by Natera, Inc.); PubMed 10796875 (cited by 5 submitters); PubMed 30764785 (cited by Victorian Clinical Genetics Services, Murdoch Childrens Research Institute); PubMed 31010158 (cited by Victorian Clinical Genetics Services, Murdoch Childrens Research Institute); PubMed 33334373 (cited by Victorian Clinical Genetics Services, Murdoch Childrens Research Institute); PubMed 18586596 (cited by 3 submitters); PubMed 32165122 (cited by Illumina Laboratory Services, Illumina); PubMed 9279145 (cited by 4 submitters); PubMed 24522292 (cited by Broad Center for Mendelian Genomics, Broad Institute of MIT and Harvard and Myriad Genetics, Inc.); PubMed 12595585 (cited by Myriad Genetics, Inc. and OMIM); PubMed 1348297 (cited by Myriad Genetics, Inc. and OMIM); PubMed 1704891 (cited by Myriad Genetics, Inc.); PubMed 8118463 (cited by Myriad Genetics, Inc.); PubMed 16293621 (cited by Ambry Genetics); PubMed 19286695 (cited by Ambry Genetics and OMIM).